The following is an entry in ClinVar:

NM_020975.6(RET):c.166C>A (p.Leu56Met)

Gene: RET (ret proto-oncogene; plus strand). Cytogenetic location: 10q11.21.
Variant type: single nucleotide variant.
Coding change: c.166C>A on transcript NM_020975.6 (MANE Select); coding-DNA position 166, C replaced by A.
Protein change: p.Leu56Met; replaces leucine 56 with methionine.
Molecular consequence: missense variant.
Genome position (GRCh38, 1-based): chr10:43,100,551, C>A. VCF-style: chr10-43100551-C-A. GRCh37 (hg19) VCF-style: chr10-43595999-C-A.
Other names: c.166C>A, p.Leu56Met (NM_000323.2, NM_001406743.1, NM_001406744.1 and 34 more transcripts); short protein forms L56M.
Identifiers: ClinVar variation 36723 (VCV000036723.102), dbSNP rs145633958, ClinGen allele CA007702.
Genomic context (GRCh38, chr10:43,100,551, plus strand): 5'-TACTGGGAGAAGCTGTATGTGGACCAGGCAGCCGGCACGCCCTTGCTGTACGTCCATGCC[C>A]TGCGGGACGCCCCTGAGGAGGTGCCCAGCTTCCGCCTGGGCCAGCATCTCTACGGCACGT-3'
Protein context (NP_066124.1, residues 46-66): AGTPLLYVHA[Leu56Met]RDAPEEVPSF

ClinVar aggregate classification (germline): Conflicting classifications of pathogenicity. Review status: criteria provided, conflicting classifications (1 of 4 stars). 34 submissions from 31 submitters: Uncertain significance (1); Benign (14); Likely benign (11). 8 of the submissions do not count toward it. Last evaluated 2026-09-01.

Conditions:
Pheochromocytoma. Also called: MAX-Related Hereditary Paraganglioma-Pheochromocytoma Syndrome. Identifiers: Orphanet 29072, MedGen C0031511, MONDO:0008233, OMIM 171300, HP:0002666.
Multiple endocrine neoplasia type 2B. Also called: MEN IIB; NEUROMATA, MUCOSAL, WITH ENDOCRINE TUMORS; MEN 2B; Multiple endocrine neoplasia, type 3; Multiple Endocrine Neoplasia Type 2B (MEN2B); MUCOSAL NEUROMA SYNDROME. Identifiers: Orphanet 247709, Orphanet 653, MedGen C0025269, MeSH D018814, MONDO:0008082, OMIM 162300.
Familial medullary thyroid carcinoma (MTC). Also called: Thyroid cancer, familial medullary; MTC, familial; Familial Medullary Thyroid Carcinoma (FMTC). Identifiers: Orphanet 653, Orphanet 99361, MedGen C1833921, MONDO:0007958, OMIM 155240.
Multiple endocrine neoplasia type 2A. Also called: Multiple Endocrine Neoplasia Type 2A (MEN2A); MULTIPLE ENDOCRINE NEOPLASIA, TYPE IIA; PTC SYNDROME; SIPPLE SYNDROME; MEN 2A; MEN-2A syndrome. Identifiers: Orphanet 247698, Orphanet 653, MedGen C0025268, MeSH D018813, MONDO:0008234, OMIM 171400.
Hirschsprung disease, susceptibility to, 1 (HSCR1). Also called: RET-Related Hirschsprung Disease. Identifiers: Orphanet 388, MedGen C3888239, MONDO:0007723, OMIM 142623.
Multiple endocrine neoplasia. Identifiers: Orphanet 276161, MedGen C0027662, MONDO:0017169.
Hereditary cancer-predisposing syndrome. Also called: Neoplastic Syndromes, Hereditary; Tumor predisposition; Hereditary Cancer Syndrome; Hereditary neoplastic syndrome. Identifiers: Orphanet 140162, MedGen C0027672, MeSH D009386, MONDO:0015356.
Aganglionic megacolon (HSCR). Also called: Hirschsprung's disease; Hirschsprung disease. Identifiers: Orphanet 388, MedGen C0019569, MeSH D006627, MONDO:0018309, HP:0002251.
Multiple endocrine neoplasia, type 2 (MEN2). Identifiers: Orphanet 653, MedGen C4048306, MONDO:0019003. Disease mechanism: gain of function.
Renal hypodysplasia/aplasia 1 (RHDA1). Also called: HEREDITARY RENAL APLASIA; RENAL APLASIA. Identifiers: Orphanet 411709, MedGen C1619700, MONDO:0024519, OMIM 191830.

Allele frequency attached by ClinVar (database versions not stated): 1000 Genomes Project 30x 0.00125; gnomAD 0.00303 and 0.00310; 1000 Genomes Project 0.00120; TOPMed 0.00294; ESP Exome Variant Server 0.00369.
gnomAD v4.1: 7,763 of 1,613,938 alleles (0.48%); highest among the groups gnomAD compares: Non-Finnish European, 0.6%; 25 homozygotes.

Submissions 1 to 20 of 34:

CeGaT Center for Human Genetics Tuebingen
Classification: Benign. Last evaluated: 2026-09-01. Review status: criteria provided, single submitter. Criteria: CeGaT Center For Human Genetics Tuebingen Variant Classification Criteria Version 2. Collection method: clinical testing. Allele origin: germline. Affected: yes. Observed: 53 variant alleles.
Comment: RET: BP4, BS1, BS2

Labcorp Genetics (formerly Invitae), Labcorp
Classification: Benign for Multiple endocrine neoplasia, type 2. Last evaluated: 2026-02-04. Review status: criteria provided, single submitter. Criteria: Invitae Variant Classification Sherloc (09022015). Collection method: clinical testing. Allele origin: germline.

Dasa
Classification: Benign. Last evaluated: 2026-01-12. Review status: criteria provided, single submitter. Criteria: DASA Assertion Criteria. Collection method: clinical testing. Allele origin: germline.
Comment: NM_020975.6(RET):c.166C>A (p.Leu56Met) is interpreted as benign based on a combination of available evidence, including population frequency, and observations in unaffected individuals. Based on the available data, this variant is classified as benign.

ARUP Laboratories, Molecular Genetics and Genomics, ARUP Laboratories
Classification: Likely benign. Last evaluated: 2025-07-30. Review status: criteria provided, single submitter. Criteria: ARUP Molecular Germline Variant Investigation Process 2024. Collection method: clinical testing. Allele origin: germline.

Laboratorio de I+D, Fundación Centro Médico de Asturias
Classification: Benign for Hereditary cancer-predisposing syndrome. Last evaluated: 2025-07-22. Review status: criteria provided, single submitter. Criteria: ACMG Guidelines, 2015. Collection method: clinical testing. Allele origin: germline.
Comment: BS1+BS2+BP4

Center for Genomic Medicine, Rigshospitalet, Copenhagen University Hospital
Classification: Likely benign. Last evaluated: 2025-03-04. Review status: criteria provided, single submitter. Criteria: ACMG Guidelines, 2015. Collection method: clinical testing. Allele origin: germline.

KCCC/NGS Laboratory, Kuwait Cancer Control Center
Classification: Benign for Pheochromocytoma. Last evaluated: 2025-02-01. Review status: criteria provided, single submitter. Criteria: ACMG Guidelines, 2015. Collection method: clinical testing. Allele origin: germline. Affected: no.

Blueprint Genetics
Classification: Likely benign. Last evaluated: 2024-11-20. Review status: criteria provided, single submitter. Criteria: ACMG Guidelines, 2015. Collection method: clinical testing. Allele origin: germline.

All of Us Research Program, National Institutes of Health
Classification: Likely benign for Multiple endocrine neoplasia, type 2. Last evaluated: 2024-02-05. Review status: criteria provided, single submitter. Criteria: ACMG Guidelines, 2015. Collection method: clinical testing. Allele origin: germline. Inheritance: Autosomal dominant inheritance. Observed: 816 variant alleles, 814 heterozygotes, 2 homozygotes.
Comment: This study involves interpretation of variants in research participants for the purpose of population health screening. Participant phenotype was not available at the time of variant classification. Additional details can be found in publication PMID: 35346344, PMCID: PMC8962531

Department of Pathology and Laboratory Medicine, Sinai Health System
Classification: Benign for Hirschsprung disease, susceptibility to, 1; Familial medullary thyroid carcinoma; Multiple endocrine neoplasia type 2B; Pheochromocytoma; Multiple endocrine neoplasia type 2A. Last evaluated: 2022-09-29. Review status: criteria provided, single submitter. Criteria: ACMG Guidelines, 2015. Collection method: clinical testing. Allele origin: germline. Affected: no.

Color Diagnostics, LLC DBA Color Health
Classification: Likely benign for Multiple endocrine neoplasia, type 2. Last evaluated: 2022-06-09. Review status: criteria provided, single submitter. Criteria: ACMG Guidelines, 2015. Collection method: clinical testing. Allele origin: germline.

Institute for Clinical Genetics, University Hospital TU Dresden, University Hospital TU Dresden
Classification: Likely benign. Last evaluated: 2021-11-03. Review status: criteria provided, single submitter. Criteria: ACMG Guidelines, 2015. Collection method: clinical testing. Allele origin: germline.

Sema4
Classification: Likely benign for Hereditary cancer-predisposing syndrome. Last evaluated: 2021-05-31. Review status: criteria provided, single submitter. Criteria: Sema4 Curation Guidelines. Collection method: curation. Allele origin: germline.

GeneDx
Classification: Likely benign. Last evaluated: 2021-03-18. Review status: criteria provided, single submitter. Criteria: GeneDx Variant Classification Process June 2021. Collection method: clinical testing. Allele origin: germline. Affected: yes.
Comment: In silico analysis, which includes protein predictors and evolutionary conservation, supports that this variant does not alter protein structure/function; Reported in a patient with short segment Hirschsprung disease and in a fetus with bilateral renal agenesis and uterine agenesis (Hofstra et al., 2000; Jeanpierre et al., 2011).; This variant is associated with the following publications: (PMID: 26332594, 24442913, 25569433, 26883533, 24055113, 30840779, 22703879, 20473317, 10790203, 24728327, 26572137, 27153395, 25637381, 22995991, 21490379, 26395553, 22648184, 30072953, 31649719)

Genetic Services Laboratory, University of Chicago
Classification: Benign. Last evaluated: 2020-08-17. Review status: criteria provided, single submitter. Criteria: ACMG Guidelines, 2015. Collection method: clinical testing. Allele origin: germline. Affected: no.

Mendelics
Classification: Benign for Multiple endocrine neoplasia type 2A. Last evaluated: 2019-05-28. Review status: criteria provided, single submitter. Criteria: Mendelics Assertion Criteria 2017. Collection method: clinical testing. Allele origin: unknown.

Quest Diagnostics Nichols Institute San Juan Capistrano
Classification: Benign. Last evaluated: 2017-08-23. Review status: criteria provided, single submitter. Criteria: Quest Diagnostics criteria. Collection method: clinical testing. Allele origin: unknown.

Illumina Laboratory Services, Illumina
Classification: Benign for Multiple endocrine neoplasia. Last evaluated: 2017-04-27. Review status: criteria provided, single submitter. Criteria: ICSL Variant Classification Criteria 13 December 2019. Collection method: clinical testing. Allele origin: germline.
Comment: This variant was observed as part of a predisposition screen in an ostensibly healthy population. A literature search was performed for the gene, cDNA change, and amino acid change (where applicable). No publications were found based on this search. Allele frequency data from public databases was too high to be consistent with this variant causing disease. Therefore, this variant is classified as benign.

Illumina Laboratory Services, Illumina
Classification: Likely benign for Renal hypodysplasia/aplasia 1. Last evaluated: 2017-04-27. Review status: criteria provided, single submitter. Criteria: ICSL Variant Classification Criteria 13 December 2019. Collection method: clinical testing. Allele origin: germline.
Comment: This variant was observed as part of a predisposition screen in an ostensibly healthy population. A literature search was performed for the gene, cDNA change, and amino acid change (where applicable). No publications were found based on this search. Allele frequency data from public databases allowed determination this variant is unlikely to cause disease. Therefore, this variant is classified as likely benign.

Illumina Laboratory Services, Illumina
Classification: Uncertain significance for Pheochromocytoma. Last evaluated: 2017-04-27. Review status: criteria provided, single submitter. Criteria: ICSL Variant Classification Criteria 13 December 2019. Collection method: clinical testing. Allele origin: germline.